The following is an entry in ClinVar:

ClinVar aggregate classification (germline): Uncertain significance (1 of 4 stars; one submission).

Submission:

Dasa
Classification: Uncertain significance. Last evaluated: 2025-10-17. Review status: criteria provided, single submitter. Criteria: DASA Assertion Criteria. Collection method: clinical testing. Allele origin: germline.
Comment: NM_001197104.2(KMT2A):c.6482G>A (p.Gly2161Asp) is a missense variant that results in the substitution of glycine with aspartic acid. This variant is absent from population databases. The currently available literature and clinical evidence are not sufficient to establish a definitive association between this variant and the reported condition. Therefore, this variant is classified as a variant of uncertain significance.

NM_001197104.2(KMT2A):c.6482G>A (p.Gly2161Asp)

Gene: KMT2A (lysine methyltransferase 2A; plus strand). Cytogenetic location: 11q23.3.
Variant type: single nucleotide variant.
Coding change: c.6482G>A on transcript NM_001197104.2 (MANE Select); coding-DNA position 6482, G replaced by A.
Protein change: p.Gly2161Asp; replaces glycine 2161 with aspartic acid.
Molecular consequence: missense variant.
Genome position (GRCh38, 1-based): chr11:118,501,834, G>A. VCF-style: chr11-118501834-G-A. GRCh37 (hg19) VCF-style: chr11-118372549-G-A.
Other names: c.6572G>A, p.Gly2191Asp (NM_001412597.1); c.6473G>A, p.Gly2158Asp (NM_005933.4); short protein forms G2158D, G2161D, G2191D.
Identifiers: ClinVar variation 4885669 (VCV004885669.2).